The following is an entry in ClinVar:

NM_001365276.2(TNXB):c.2860C>T (p.Pro954Ser)

Gene: TNXB (tenascin XB; minus strand). Cytogenetic location: 6p21.33.
Variant type: single nucleotide variant.
Coding change: c.2860C>T on transcript NM_001365276.2 (MANE Select); coding-DNA position 2860, C replaced by T.
Protein change: p.Pro954Ser; replaces proline 954 with serine.
Molecular consequence: missense variant.
Genome position (GRCh38, 1-based): chr6:32,086,038, G>A on the plus strand (C>T on the coding strand, the complement: TNXB is on the minus strand). VCF-style: chr6-32086038-G-A. GRCh37 (hg19) VCF-style: chr6-32053815-G-A.
Other names: c.2860C>T, p.Pro954Ser (NM_019105.8); short protein forms P954S.
Identifiers: ClinVar variation 3327849 (VCV003327849.3).

ClinVar aggregate classification (germline): Uncertain significance. Review status: criteria provided, multiple submitters, no conflicts (2 of 4 stars). 2 submissions from 2 submitters: Uncertain significance (2). Last evaluated 2026-05-12.

Conditions:
Cardiovascular phenotype. Identifiers: MedGen CN230736.

gnomAD v4.1: 25 of 1,604,498 alleles (0.0016%); highest among the groups gnomAD compares: African/African-American, 0.0027%; no homozygotes.

Submissions (2):

Women's Health and Genetics/Laboratory Corporation of America, LabCorp
Classification: Uncertain significance. Last evaluated: 2026-05-12. Review status: criteria provided, single submitter. Criteria: LabCorp Variant Classification Summary - May 2015. Collection method: clinical testing. Allele origin: germline.
Comment: Variant summary: TNXB c.2860C>T (p.Pro954Ser) results in a non-conservative amino acid change in the encoded protein sequence. Algorithms developed to predict the effect of missense changes on protein structure and function are either unavailable or do not agree on the potential impact of this missense change. The variant allele was found at a frequency of 4.2e-06 in 236716 control chromosomes. The available data on variant occurrences in the general population are insufficient to allow any conclusion about variant significance. To our knowledge, no occurrence of c.2860C>T in individuals affected with TNXB-related conditions and no experimental evidence demonstrating its impact on protein function have been reported. ClinVar contains an entry for this variant (Variation ID: 3327849). Based on the evidence outlined above, the variant was classified as uncertain significance.

Ambry Genetics
Classification: Uncertain significance for Cardiovascular phenotype. Last evaluated: 2025-09-01. Review status: criteria provided, single submitter. Criteria: Ambry Variant Classification Scheme 2023. Collection method: clinical testing. Allele origin: germline.